The following is an entry in ClinVar:

NM_002834.5(PTPN11):c.1374C>A (p.His458Gln)

Gene: PTPN11 (protein tyrosine phosphatase non-receptor type 11; plus strand). Cytogenetic location: 12q24.13.
Variant type: single nucleotide variant.
Coding change: c.1374C>A on transcript NM_002834.5 (MANE Select); coding-DNA position 1374, C replaced by A.
Protein change: p.His458Gln; replaces histidine 458 with glutamine.
Molecular consequence: missense variant.
Genome position (GRCh38, 1-based): chr12:112,486,624, C>A. VCF-style: chr12-112486624-C-A. GRCh37 (hg19) VCF-style: chr12-112924428-C-A.
Other names: c.1386C>A, p.His462Gln (NM_001330437.2); c.1371C>A, p.His457Gln (NM_001374625.1); c.1374C>A, p.His458Gln (NM_080601.3); short protein forms H458Q, H462Q, H457Q.
Identifiers: ClinVar variation 177905 (VCV000177905.6), dbSNP rs727504393, ClinGen allele CA180970.

ClinVar aggregate classification (germline): Uncertain significance. Review status: criteria provided, multiple submitters, no conflicts (2 of 4 stars). 2 submissions from 2 submitters: Uncertain significance (2). Last evaluated 2023-12-21.

Conditions:
Noonan syndrome 1 (NS1). Also called: FEMALE PSEUDO-TURNER SYNDROME; TURNER PHENOTYPE WITH NORMAL KARYOTYPE; PTPN11-Related Noonan Syndrome. Identifiers: Orphanet 648, MedGen C4551602, MONDO:0008104, OMIM 163950. Disease mechanism: gain of function.

Submissions (2):

Victorian Clinical Genetics Services, Murdoch Childrens Research Institute
Classification: Uncertain significance for Noonan syndrome 1. Last evaluated: 2023-12-21. Review status: criteria provided, single submitter. Criteria: ACMG Guidelines, 2015. Collection method: clinical testing. Allele origin: germline. Inheritance: Autosomal dominant inheritance. Affected: yes.
Comment: Based on the classification scheme VCGS_Germline_v1.3.4, this variant is classified as VUS-3B. Following criteria are met: 0103 - Both loss of function and gain of function are known mechanisms of disease for this gene. Metachondromatosis (MIM#156250) and Noonan syndrome with multiple lentigines have been associated with loss of function variants, whereas Noonan syndrome 1 (MIM#163950) is caused by gain of function variants (PMIDs: 11992261, 24935154, 21533187; ClinGen expert panel). (I) 0107 - This gene is associated with autosomal dominant disease. (I) 0115 - Variants in this gene are known to have variable expressivity. Noonan syndrome is known to have variable expressivity (PMID: 20301303). (I) 0200 - Variant is predicted to result in a missense amino acid change from histidine to glutamine. (I) 0251 - This variant is heterozygous. (I) 0301 - Variant is absent from gnomAD (both v2 and v3). (SP) 0501 - Missense variant consistently predicted to be damaging by multiple in silico tools or highly conserved with a major amino acid change. (SP) 0600 - Variant is located in the annotated protein-tyrosine phosphatase (DECIPHER). (I) 0705 - No comparable missense variants have previous evidence for pathogenicity. (I) 0809 - Previous evidence of pathogenicity for this variant is inconclusive. this variant has been classified as a VUS by a clinical laboratory in ClinVar. (I) 0905 - No published segregation evidence has been identified for this variant. (I) 1007 - No published functional evidence has been identified for this variant. (I) Legend: (SP) - Supporting pathogenic, (I) - Information, (SB) - Supporting benign

Laboratory for Molecular Medicine, Mass General Brigham Personalized Medicine
Classification: Uncertain significance. Last evaluated: 2010-02-02. Review status: criteria provided, single submitter. Criteria: LMM Criteria. Collection method: clinical testing. Allele origin: germline. Observed: 2 variant alleles.

Literature cited by the submitters: PubMed 11992261 (cited by Victorian Clinical Genetics Services, Murdoch Childrens Research Institute); PubMed 20301303 (cited by Victorian Clinical Genetics Services, Murdoch Childrens Research Institute); PubMed 21533187 (cited by Victorian Clinical Genetics Services, Murdoch Childrens Research Institute); PubMed 24935154 (cited by Victorian Clinical Genetics Services, Murdoch Childrens Research Institute).